The following is an entry in ClinVar:

NM_001953.5(TYMP):c.244_245insTATAAGAGACAGT (p.Gly82delinsValTer)

Genes: TYMP (thymidine phosphorylase; minus strand), LOC130067864 (ATAC-STARR-seq lymphoblastoid active region 19325; plus strand). Cytogenetic location: 22q13.33.
Variant type: Insertion.
Coding change: c.244_245insTATAAGAGACAGT on transcript NM_001953.5 (MANE Select); coding-DNA positions 244 to 245, TATAAGAGACAGT inserted.
Protein change: p.Gly82delinsValTer.
Molecular consequence: nonsense.
Genome position: GRCh38 VCF-style: chr22-50529308-C-CACTGTCTCTTATA. GRCh37 (hg19) VCF-style: chr22-50967737-C-CACTGTCTCTTATA.
Other names: c.244_245insTATAAGAGACAGT, p.Gly82delinsValTer (NM_001113755.3, NM_001113756.3, NM_001257988.1 and 1 more transcripts).
Identifiers: ClinVar variation 5010456 (VCV005010456.1).

ClinVar aggregate classification (germline): Pathogenic (1 of 4 stars; one submission).

Conditions:
Mitochondrial DNA depletion syndrome 1. Also called: POLIP SYNDROME; POLYNEUROPATHY, OPHTHALMOPLEGIA, LEUKOENCEPHALOPATHY, AND INTESTINAL PSEUDOOBSTRUCTION; Mitochondrial Neurogastrointestinal Encephalopathy Disease; MITOCHONDRIAL NEUROGASTROINTESTINAL ENCEPHALOPATHY SYNDROME, TYMP-RELATED; MNGIE, TYMP-RELATED; Mitochondrial neurogastrointestinal encephalomyopathy syndrome. Identifiers: Orphanet 298, MedGen C4551995, MONDO:0011283, OMIM 603041.

Submission:

Myriad Genetics, Inc.
Classification: Pathogenic for Mitochondrial DNA depletion syndrome 1. Last evaluated: 2026-03-19. Review status: criteria provided, single submitter. Criteria: Myriad Autosomal Dominant, Autosomal Recessive and X-Linked Classification Criteria (2023). Collection method: clinical testing. Allele origin: unknown.
Comment: NM_001953.4(TYMP):c.244_245ins13(G82Vfs*2) is expected to be pathogenic in the context of mitochondrial neurogastrointestinal encephalopathy disease. This variant is predicted to lead to an abnormal or absent protein product due to the creation of a premature termination codon in TYMP, a gene where loss-of-function variants are known to be pathogenic. Please note: this variant was assessed in the context of healthy population screening.